The following is an entry in ClinVar:

ClinVar aggregate classification (germline): Uncertain significance. Review status: criteria provided, multiple submitters, no conflicts (2 of 4 stars). 4 submissions from 4 submitters: Uncertain significance (4). Last evaluated 2025-06-23.

Conditions:
Cardiovascular phenotype. Identifiers: MedGen CN230736.
Hereditary cancer-predisposing syndrome. Also called: Tumor predisposition; Hereditary neoplastic syndrome; Neoplastic Syndromes, Hereditary; Hereditary Cancer Syndrome. Identifiers: Orphanet 140162, MedGen C0027672, MeSH D009386, MONDO:0015356.
LZTR1-related schwannomatosis. Also called: Schwannomatosis 2; Schwannomatosis-2, susceptibility to. Identifiers: Orphanet 93921, MedGen C3810283, MONDO:0014299, OMIM 615670.

Allele frequency attached by ClinVar (database versions not stated): TOPMed below 0.00001; gnomAD 0.00001; gnomAD exomes 0.00001 and 0.00002; ExAC 0.00002.
gnomAD v4.1: 5 of 1,613,414 alleles (0.00031%); highest among the groups gnomAD compares: Admixed American, 0.005%; no homozygotes.

Submissions (4):

Labcorp Genetics (formerly Invitae), Labcorp
Classification: Uncertain significance. Last evaluated: 2025-06-23. Review status: criteria provided, single submitter. Criteria: Invitae Variant Classification Sherloc (09022015). Collection method: clinical testing. Allele origin: germline.
Comment: This sequence change replaces methionine, which is neutral and non-polar, with valine, which is neutral and non-polar, at codon 766 of the LZTR1 protein (p.Met766Val). This variant is present in population databases (rs766793703, gnomAD 0.01%). This variant has not been reported in the literature in individuals affected with LZTR1-related conditions. ClinVar contains an entry for this variant (Variation ID: 1359663). Invitae Evidence Modeling of protein sequence and biophysical properties (such as structural, functional, and spatial information, amino acid conservation, physicochemical variation, residue mobility, and thermodynamic stability) indicates that this missense variant is not expected to disrupt LZTR1 protein function with a negative predictive value of 80%. In summary, the available evidence is currently insufficient to determine the role of this variant in disease. Therefore, it has been classified as a Variant of Uncertain Significance.

Ambry Genetics
Classification: Uncertain significance for Cardiovascular phenotype; Hereditary cancer-predisposing syndrome. Last evaluated: 2025-02-06. Review status: criteria provided, single submitter. Criteria: Ambry Variant Classification Scheme 2023. Collection method: clinical testing. Allele origin: germline.
Comment: The p.M766V variant (also known as c.2296A>G), located in coding exon 19 of the LZTR1 gene, results from an A to G substitution at nucleotide position 2296. The methionine at codon 766 is replaced by valine, an amino acid with highly similar properties. This amino acid position is highly conserved in available vertebrate species. In addition, the in silico prediction for this alteration is inconclusive. Since supporting evidence is limited at this time, the clinical significance of this alteration remains unclear.

GeneDx
Classification: Uncertain significance. Last evaluated: 2023-11-29. Review status: criteria provided, single submitter. Criteria: GeneDx Variant Classification Process June 2021. Collection method: clinical testing. Allele origin: germline. Affected: yes.
Comment: Not observed at significant frequency in large population cohorts (gnomAD); In silico analysis supports that this missense variant does not alter protein structure/function; In silico analysis suggests this variant may impact gene splicing. In the absence of RNA/functional studies, the actual effect of this sequence change is unknown; Has not been previously published as pathogenic or benign to our knowledge

Baylor Genetics
Classification: Uncertain significance for LZTR1-related schwannomatosis. Last evaluated: 2023-09-19. Review status: criteria provided, single submitter. Criteria: ACMG Guidelines, 2015. Collection method: clinical testing. Allele origin: unknown.

NM_006767.4(LZTR1):c.2296A>G (p.Met766Val)

Gene: LZTR1 (leucine zipper like post translational regulator 1; plus strand). Cytogenetic location: 22q11.21.
Variant type: single nucleotide variant.
Coding change: c.2296A>G on transcript NM_006767.4 (MANE Select); coding-DNA position 2296, A replaced by G.
Protein change: p.Met766Val; replaces methionine 766 with valine.
Molecular consequence: missense variant.
Genome position (GRCh38, 1-based): chr22:20,996,772, A>G. VCF-style: chr22-20996772-A-G. GRCh37 (hg19) VCF-style: chr22-21351061-A-G.
Other names: short protein forms M766V.
Identifiers: ClinVar variation 1359663 (VCV001359663.11), dbSNP rs766793703, ClinGen allele CA10119331.